The following is an entry in ClinVar:

ClinVar aggregate classification (germline): Uncertain significance (1 of 4 stars; one submission).

Submission:

Labcorp Genetics (formerly Invitae), Labcorp
Classification: Uncertain significance. Last evaluated: 2025-10-02. Review status: criteria provided, single submitter. Criteria: Invitae Variant Classification Sherloc (09022015). Collection method: clinical testing. Allele origin: germline.
Comment: This variant, c.706_708del, results in the deletion of 1 amino acid(s) of the LEMD3 protein (p.Glu236del), but otherwise preserves the integrity of the reading frame. This variant is not present in population databases (gnomAD no frequency). This variant has not been reported in the literature in individuals affected with LEMD3-related conditions. Experimental studies and prediction algorithms are not available or were not evaluated, and the functional significance of this variant is currently unknown. In summary, the available evidence is currently insufficient to determine the role of this variant in disease. Therefore, it has been classified as a Variant of Uncertain Significance.

NM_014319.5(LEMD3):c.703GAG[1] (p.Glu236del)

Gene: LEMD3 (LEM domain containing 3; plus strand). Cytogenetic location: 12q14.3.
Variant type: Microsatellite.
Coding change: c.703GAG[1] on transcript NM_014319.5 (MANE Select); one copy of the 3-base unit GAG starting at c.703; the reference has two copies in a row; one copy, 3 bases deleted.
Protein change: p.Glu236del; deletes glutamic acid 236.
Molecular consequence: inframe deletion.
Genome position (GRCh38, 1-based): chr12:65,170,302-65,170,304, GAG deleted; deleting any 3 consecutive bases within chr12:65,170,299-65,170,304 gives the same sequence; the position shown is the placement nearest the transcript's 3' end. VCF-style (leftmost placement, unchanged base first): chr12-65170298-CGAG-C. GRCh37 (hg19) VCF-style: chr12-65564078-CGAG-C.
Other names: c.703GAG[1], p.Glu236del (NM_001167614.2); short protein forms E236del.
Identifiers: ClinVar variation 2835488 (VCV002835488.3), dbSNP rs2498939154, ClinGen allele CA2739272176.